The following is an entry in ClinVar:

NM_001734.5(C1S):c.241_242dup (p.Leu82fs)

Gene: C1S (complement C1s; plus strand). Cytogenetic location: 12p13.31.
Variant type: Duplication.
Coding change: c.241_242dup on transcript NM_001734.5 (MANE Select); coding-DNA positions 241 to 242, 2 bases duplicated (AG; older notation c.241_242dupAG).
Protein change: p.Leu82fs; shifts the reading frame from leucine 82.
Molecular consequence: frameshift variant. On other transcripts: 5 prime UTR variant (1).
Genome position (GRCh38, 1-based): chr12:7,062,917-7,062,918, AG duplicated; duplicating any 2 consecutive bases within chr12:7,062,916-7,062,918 gives the same sequence; the c. name uses the placement nearest the transcript's 3' end. VCF-style (leftmost placement, unchanged base first): chr12-7062915-G-GGA. GRCh37 (hg19) VCF-style: chr12-7170219-G-GGA.
Other names: c.-261_-260dup (NM_001346850.2); c.241_242dup, p.Leu82fs (NM_201442.4); short protein forms L82fs.
Identifiers: ClinVar variation 2696183 (VCV002696183.3), dbSNP rs2539594071, ClinGen allele CA2697559097.
Genomic context (GRCh38, chr12:7,062,915, plus strand): 5'-TTTCCTAGATTTTTTTTTTGTGACTCTTCTCTTAGATAATCTCAGGAGACACTGAAGAAG[G>GGA]GAGGCTCTGTGGACAGAGGAGCAGTAACAATCCCCACTCTCCAATTGTGGAAGAGTTCCA-3'

ClinVar aggregate classification (germline): Pathogenic (1 of 4 stars; one submission).

Submission:

Labcorp Genetics (formerly Invitae), Labcorp
Classification: Pathogenic. Last evaluated: 2023-11-15. Review status: criteria provided, single submitter. Criteria: Invitae Variant Classification Sherloc (09022015). Collection method: clinical testing. Allele origin: germline.
Comment: This sequence change creates a premature translational stop signal (p.Leu82Glyfs*28) in the C1S gene. It is expected to result in an absent or disrupted protein product. Loss-of-function variants in C1S are known to be pathogenic (PMID: 18062908). This variant is not present in population databases (gnomAD no frequency). This variant has not been reported in the literature in individuals affected with C1S-related conditions. For these reasons, this variant has been classified as Pathogenic.

Literature cited by the submitters: PubMed 18062908.